The following is an entry in ClinVar:

NM_175914.5(HNF4A):c.691C>T (p.Arg231Trp)

Gene: HNF4A (hepatocyte nuclear factor 4 alpha; plus strand). Cytogenetic location: 20q13.12.
Variant type: single nucleotide variant.
Coding change: c.691C>T on transcript NM_175914.5 (MANE Select); coding-DNA position 691, C replaced by T.
Protein change: p.Arg231Trp; replaces arginine 231 with tryptophan.
Molecular consequence: missense variant.
Genome position (GRCh38, 1-based): chr20:44,419,741, C>T. VCF-style: chr20-44419741-C-T. GRCh37 (hg19) VCF-style: chr20-43048381-C-T.
Other names: NM_175914.5(HNF4A):c.691C>T; p.Arg231Trp; c.757C>T, p.Arg253Trp (NM_000457.6, NM_178849.3, NM_178850.3); c.691C>T, p.Arg231Trp (NM_001030003.3, NM_001030004.3); c.736C>T, p.Arg246Trp (NM_001258355.2); c.682C>T, p.Arg228Trp (NM_001287182.2, NM_001287183.2, NM_001287184.2); short protein forms R228W, R231W, R246W, R253W.
Identifiers: ClinVar variation 1186689 (VCV001186689.30), dbSNP rs376013528, ClinGen allele CA9870361.

ClinVar aggregate classification (germline): Likely pathogenic. Review status: reviewed by expert panel (3 of 4 stars). 10 submissions from 10 submitters: Likely pathogenic (1). 9 of the submissions do not count toward it. Last evaluated 2024-05-10.

Conditions:
Fanconi renotubular syndrome 4 with maturity-onset diabetes of the young (FRTS4). Also called: FRTS4 WITH MODY. Identifiers: Orphanet 93111, MedGen C4014962, MONDO:0014458, OMIM 616026.
Type 2 diabetes mellitus. Also called: Type II diabetes mellitus. Identifiers: MedGen C0011860, MeSH D003924, MONDO:0005148, OMIM 125853, HP:0005978.
Maturity-onset diabetes of the young type 1. Also called: MODY type 1; Diabetes mellitus MODY type 1; MODY HNF4A related; HNF4A-Related Maturity-Onset Diabetes of the Young Type 1; MODY, type I; MILD JUVENILE DIABETES MELLITUS. Identifiers: Orphanet 552, MedGen C1852093, MONDO:0007452, OMIM 125850. Disease mechanism: loss of function.
HNF4A-related disorder. Also called: HNF4A-related condition.
Monogenic diabetes. Identifiers: Orphanet 183625, MedGen C3888631, MONDO:0015967.
Maturity-onset diabetes of the young (MODY). Also called: Maturity onset diabetes mellitus in young. Identifiers: Orphanet 552, MedGen C0342276, MONDO:0018911, HP:0004904.

Allele frequency attached by ClinVar (database versions not stated): gnomAD exomes below 0.00001; ExAC 0.00001; ESP Exome Variant Server 0.00008.

Submissions (10):

ClinGen Monogenic Diabetes Variant Curation Expert Panel
Classification: Likely pathogenic for Monogenic diabetes. Last evaluated: 2024-05-10. Review status: reviewed by expert panel. Criteria: ClinGen Diabetes ACMG Specifications HNF4A V2.0.0. Collection method: curation. Allele origin: germline. Inheritance: Autosomal dominant inheritance.
Comment: The c.691C>T variant in the hepatocyte nuclear factor 4 alpha gene, HNF4A, causes an amino acid change of arginine to tryptophan at codon 231 (p.(Arg231Trp)) of NM_175914.5. This variant is predicted to be deleterious by computational evidence, with a REVEL score of 0.927, which is greater than the MDEP VCEP threshold of 0.70 (PP3). This variant has an incomputable gnomAD v2.1.1 Grpmax filtering allele frequency due to one copy in the European non-Finnish subpopulation and zero copies in any other subpopulation, thereby meeting the ClinGen MDEP threshold criteria for PM2_Supporting (ENF Grpmax FAF <= 0.000003 and <= 2 copies in ENF and <=1 copy in any other subpopulation) (PM2_Supporting). Additionally, this variant was identified in at least 8 unrelated individuals with non-autoimmune and non-absolute/near-absolute insulin-deficient diabetes (PS4; internal lab contributors). One of these individuals has a clinical history highly specific for HNF4A-MODY (MODY probability calculator result >50%, negative genetic testing for HNF1A) (PP4; internal lab contributor). Another missense variant, c.692G>A (p.Arg231Gln), has been interpreted as pathogenic by the ClinGen MDEP, and p.Arg231Trp has a greater grantham distance (PM5). In summary, c.691C>T meets the criteria to be classified as likely pathogenic for monogenic diabetes. ACMG/AMP criteria applied, as specified by the ClinGen MDEP (specification version 2.0.0, approved 10/11/2023): PS4, PM5, PP3, PP4, PM2_Supporting.

GeneDx
Classification: Likely pathogenic. Last evaluated: 2026-08-18. Review status: criteria provided, single submitter. Criteria: GeneDx Variant Classification Process June 2021. Collection method: clinical testing. Allele origin: germline. Not counted in ClinVar's aggregate classification.
Comment: Not observed at significant frequency in large population cohorts (gnomAD); In silico analysis supports that this missense variant has a deleterious effect on protein structure/function; This variant is associated with the following publications: (PMID: 23348805, 18356407, 36208030, 32418360, 34741762, 34789499, 36418577, 36257325)

PreventionGenetics, part of Exact Sciences
Classification: Likely pathogenic for HNF4A-related condition. Last evaluated: 2026-08-11. Review status: criteria provided, single submitter. Criteria: ACMG Guidelines, 2015. Collection method: clinical testing. Allele origin: germline. Not counted in ClinVar's aggregate classification.
Comment: The HNF4A c.691C>T variant is predicted to result in the amino acid substitution p.Arg231Trp. This variant has been reported in several unrelated individuals with maturity-onset diabetes of the young (MODY) (referred to as R244W in Supplementary figure, Harries et al 2008. PubMed ID: 18356407; Lakshmanan et al. 2021. PubMed ID: 32418360; Sampathkumar et al. 2022. PubMed ID: 34741762). This variant is reported in 0.00088% of alleles in individuals of European (non-Finnish) descent in gnomAD, and it is classified as likely pathogenic by the ClinGen Monogenic Diabetes Variant Curation Expert Panel (Variation ID: 1186689). A different substitution at the same amino acid (referred to as p.Arg244Gln) has also been reported in association with MODY (Hara et al. 2002. PubMed ID: 12413008). In summary, this variant is interpreted as likely pathogenic.

Labcorp Genetics (formerly Invitae), Labcorp
Classification: Pathogenic. Last evaluated: 2025-10-23. Review status: criteria provided, single submitter. Criteria: Invitae Variant Classification Sherloc (09022015). Collection method: clinical testing. Allele origin: germline. Not counted in ClinVar's aggregate classification.
Comment: This sequence change replaces arginine, which is basic and polar, with tryptophan, which is neutral and slightly polar, at codon 231 of the HNF4A protein (p.Arg231Trp). This variant is present in population databases (rs376013528, gnomAD 0.0009%). This missense change has been observed in individuals with clinical features of maturity onset diabetes of the young (PMID: 18356407, 32418360, 36257325; internal data). This variant is also known as R244W. ClinVar contains an entry for this variant (Variation ID: 1186689). Invitae Evidence Modeling of protein sequence and biophysical properties (such as structural, functional, and spatial information, amino acid conservation, physicochemical variation, residue mobility, and thermodynamic stability) has been performed for this missense variant. However, the output from this modeling did not meet the statistical confidence thresholds required to predict the impact of this variant on HNF4A protein function. This variant disrupts the p.Arg231 amino acid residue in HNF4A. Other variant(s) that disrupt this residue have been determined to be pathogenic (PMID: 12413008, 12627330; internal data). This suggests that this residue is clinically significant, and that variants that disrupt this residue are likely to be disease-causing. For these reasons, this variant has been classified as Pathogenic.

3billion
Classification: Likely pathogenic for Maturity-onset diabetes of the young type 1. Last evaluated: 2025-08-06. Review status: criteria provided, single submitter. Criteria: ACMG Guidelines, 2015. Collection method: clinical testing. Allele origin: germline. Affected: yes. Not counted in ClinVar's aggregate classification.
Comment: The variant is observed at an extremely low frequency in the gnomAD v4.1.0 dataset (total allele frequency: <0.001%). Predicted Consequence/Location: Missense variant In silico tool predictions suggest damaging effect of the variant on gene or gene product [REVEL: 0.93 (>=0.6, sensitivity 0.68 and specificity 0.92); 3Cnet: 0.99 (> 0.75, sensitivity 0.96 and precision 0.92)]. The same nucleotide change resulting in the same amino acid change has been previously reported as pathogenic/likely pathogenic with strong evidence (ClinVar ID: VCV001186689 /PMID: 18356407). A different missense change at the same codon (p.Arg231Gln) has been reported as pathogenic/likely pathogenic with strong evidence (ClinVar ID: VCV000447520 /PMID: 12413008). Therefore, this variant is classified as Likely pathogenic according to the recommendation of ACMG/AMP guideline.

Laboratory for Molecular Medicine, Mass General Brigham Personalized Medicine
Classification: Likely pathogenic for Maturity-onset diabetes of the young. Last evaluated: 2023-01-18. Review status: criteria provided, single submitter. Criteria: ACMG Guidelines, 2015. Collection method: clinical testing. Allele origin: germline. Inheritance: Autosomal dominant inheritance. Not counted in ClinVar's aggregate classification.
Comment: The p.Arg246Trp variant in HNF4A (also reported in the literature as p.Arg231Trp) has been reported in at least 7 individuals with features of maturity-onset diabetes of the young (MODY; Harries 2008 PMID: 18356407, Lakshmanan 2021 PMID: 32418360, Mirshahi 2022 PMID: 36257325, Billings 2022 PMID: 36208030, Ambry Genetics pers. comm.). It has also been identified in 0.0009% (1/113586) of European chromosomes by gnomAD and has been reported in ClinVar (Variation ID 1186689). Computational prediction tools and conservation analyses suggest that this variant may impact the protein, though this information is not predictive enough to determine pathogenicity. Another variant involving this codon (p.Arg246Gln) has also been identified in individuals with MODY (ClinVar Variation ID 447520) and is classified as likely pathogenic by this laboratory. In summary, although additional studies are required to fully establish its clinical significance, this variant meets criteria to be classified as likely pathogenic for autosomal dominant MODY. ACMG/AMP Criteria applied: PS4, PM2_Supporting, PP3, PM5_Supporting.

Geisinger Clinic, Geisinger Health System
Classification: Pathogenic for Maturity-onset diabetes of the young type 1. Last evaluated: 2022-08-02. Review status: criteria provided, single submitter. Criteria: ACMG Guidelines, 2015. Collection method: research. Allele origin: germline. Inheritance: Autosomal dominant inheritance. Affected: yes. Observed: 2 variant alleles. Not counted in ClinVar's aggregate classification.
Comment: PP3, PM2, PM5, PS4, PP4

Fulgent Genetics
Classification: Likely pathogenic for Maturity-onset diabetes of the young type 1; Type 2 diabetes mellitus; Fanconi renotubular syndrome 4 with maturity-onset diabetes of the young. Last evaluated: 2021-09-12. Review status: criteria provided, single submitter. Criteria: ACMG Guidelines, 2015. Collection method: clinical testing. Allele origin: unknown. Not counted in ClinVar's aggregate classification.

Ambry Genetics
Classification: Uncertain significance for Maturity-onset diabetes of the young. Last evaluated: 2021-01-05. Review status: criteria provided, single submitter. Criteria: Ambry Variant Classification Scheme 2023. Collection method: clinical testing. Allele origin: germline. Not counted in ClinVar's aggregate classification.
Comment: The p.R231W variant (also known as c.691C>T), located in coding exon 7 of the HNF4A gene, results from a C to T substitution at nucleotide position 691. The arginine at codon 231 is replaced by tryptophan, an amino acid with dissimilar properties. This amino acid position is highly conserved in available vertebrate species. In addition, this alteration is predicted to be deleterious by in silico analysis. Since supporting evidence is limited at this time, the clinical significance of this alteration remains unclear.

Genetic Services Laboratory, University of Chicago
Classification: Likely pathogenic. Last evaluated: 2020-03-25. Review status: criteria provided, single submitter. Criteria: ACMG Guidelines, 2015. Collection method: clinical testing. Allele origin: germline. Affected: yes. Not counted in ClinVar's aggregate classification.
Comment: DNA sequence analysis of the HNF4A gene demonstrated a sequence change, c.691C>T, in exon 7 that results in an amino acid change, p.Arg231Trp. The p.Arg231Trp change affects a highly conserved amino acid residue located in a ligand binding domain of the HNF4A protein that is known to be functional. The p.Arg231Trp substitution appears to be deleterious using several in-silico pathogenicity prediction tools (SIFT, PolyPhen2, Align GVGD, REVEL). This particular sequence change has been described in the gnomAD database in one individual which corresponds to a low population frequency of 0.00040% (rs376013528). This amino acid change (reported as Arg244Trp) has been described in a patient with MODY; however no other details were provided (PMID: 18356407). Experimental studies showed significant reduction in the trascriptional activity of the p.Arg231Gln (p.Arg244Gln) mutant when compared to the wild type. These collective evidences indicate that this sequence change, p.Arg231Trp, is likely pathogenic; however functional studies have not been performed to prove this conclusively.

Literature cited by the submitters: PubMed 18356407 (cited by 3 submitters); PubMed 32418360 (cited by Labcorp Genetics (formerly Invitae), Labcorp and Laboratory for Molecular Medicine, Mass General Brigham Personalized Medicine); PubMed 36257325 (cited by 3 submitters); PubMed 12413008 (cited by Labcorp Genetics (formerly Invitae), Labcorp and 3billion); PubMed 12627330 (cited by Labcorp Genetics (formerly Invitae), Labcorp); PubMed 36208030 (cited by Laboratory for Molecular Medicine, Mass General Brigham Personalized Medicine).